The following is an entry in ClinVar:

ClinVar aggregate classification (germline): Likely pathogenic (0 of 4 stars; one submission).

Conditions:
GIPC3-related disorder. Also called: GIPC3-related condition.

Submission:

PreventionGenetics, part of Exact Sciences
Classification: Likely pathogenic for GIPC3-related condition. Last evaluated: 2023-11-01. Review status: no assertion criteria provided. Collection method: clinical testing. Allele origin: germline.
Comment: The GIPC3 c.350delA variant is predicted to result in a frameshift and premature protein termination (p.Lys117Argfs*8). To our knowledge, this variant has not been reported in the literature or in a large population database, indicating this variant is rare. Frameshift variants in GIPC3 are expected to be pathogenic. This variant is interpreted as likely pathogenic.

NM_133261.3(GIPC3):c.350del (p.Lys117fs)

Gene: GIPC3 (GIPC PDZ domain containing family member 3; plus strand). Cytogenetic location: 19p13.3.
Variant type: Deletion.
Coding change: c.350del on transcript NM_133261.3 (MANE Select); coding-DNA position 350, one base deleted (A; older notation c.350delA).
Protein change: p.Lys117fs; shifts the reading frame from lysine 117.
Molecular consequence: frameshift variant.
Genome position (GRCh38, 1-based): chr19:3,586,619, A deleted; the last of 2 consecutive A bases (chr19:3,586,618-3,586,619); deleting either gives the same sequence. VCF-style (leftmost placement, unchanged base first): chr19-3586617-TA-T. GRCh37 (hg19) VCF-style: chr19-3586615-TA-T.
Other names: c.350del, p.Lys117fs (NM_001411144.1); short protein forms K117fs.
Identifiers: ClinVar variation 3044838 (VCV003044838.2), dbSNP rs2512423085, ClinGen allele CA2740091842.